The following is an entry in ClinVar:

ClinVar aggregate classification (germline): Uncertain significance. Review status: criteria provided, multiple submitters, no conflicts (2 of 4 stars). 2 submissions from 2 submitters: Uncertain significance (2). Last evaluated 2024-01-19.

Conditions:
Exostoses, multiple, type 2 (EXT2). Also called: Hereditary Multiple Osteochondromatosis, Type II; EXOSTOSES, MULTIPLE, TYPE II. Identifiers: Orphanet 321, MedGen C1851413, MONDO:0007586, OMIM 133701.
Seizures-scoliosis-macrocephaly syndrome. Also called: SEIZURES, SCOLIOSIS, AND MACROCEPHALY/MICROCEPHALY SYNDROME; Seizures, scoliosis, and macrocephaly syndrome. Identifiers: Orphanet 466926, MedGen C4225248, MONDO:0014731, OMIM 616682.

gnomAD v4.1: 1 of 1,613,882 alleles (0.000062%); highest among the groups gnomAD compares: Non-Finnish European, 0.000085%; no homozygotes.

Submissions (2):

Fulgent Genetics
Classification: Uncertain significance for Exostoses, multiple, type 2; Seizures-scoliosis-macrocephaly syndrome. Last evaluated: 2024-01-19. Review status: criteria provided, single submitter. Criteria: ACMG Guidelines, 2015. Collection method: clinical testing. Allele origin: germline.

Labcorp Genetics (formerly Invitae), Labcorp
Classification: Uncertain significance for Exostoses, multiple, type 2. Last evaluated: 2023-04-01. Review status: criteria provided, single submitter. Criteria: Invitae Variant Classification Sherloc (09022015). Collection method: clinical testing. Allele origin: germline.
Comment: Advanced modeling of protein sequence and biophysical properties (such as structural, functional, and spatial information, amino acid conservation, physicochemical variation, residue mobility, and thermodynamic stability) performed at Invitae indicates that this missense variant is not expected to disrupt EXT2 protein function. This sequence change replaces valine, which is neutral and non-polar, with aspartic acid, which is acidic and polar, at codon 296 of the EXT2 protein (p.Val296Asp). This variant is not present in population databases (gnomAD no frequency). This variant has not been reported in the literature in individuals affected with EXT2-related conditions. In summary, the available evidence is currently insufficient to determine the role of this variant in disease. Therefore, it has been classified as a Variant of Uncertain Significance.

NM_207122.2(EXT2):c.887T>A (p.Val296Asp)

Gene: EXT2 (exostosin glycosyltransferase 2; plus strand). Cytogenetic location: 11p11.2.
Variant type: single nucleotide variant.
Coding change: c.887T>A on transcript NM_207122.2 (MANE Select); coding-DNA position 887, T replaced by A.
Protein change: p.Val296Asp; replaces valine 296 with aspartic acid.
Molecular consequence: missense variant.
Genome position (GRCh38, 1-based): chr11:44,124,932, T>A. VCF-style: chr11-44124932-T-A. GRCh37 (hg19) VCF-style: chr11-44146482-T-A.
Other names: c.986T>A, p.Val329Asp (NM_000401.3); c.887T>A, p.Val296Asp (NM_001178083.3, NM_001389628.1, NM_001389630.1); short protein forms V329D, V296D.
Identifiers: ClinVar variation 2881859 (VCV002881859.4), dbSNP rs1166893714, ClinGen allele CA380168452.